The following is an entry in ClinVar:

NM_001061.7(TBXAS1):c.31G>C (p.Val11Leu)

Genes: TBXAS1 (thromboxane A synthase 1; plus strand), LOC126860199 (CDK7 strongly-dependent group 2 enhancer GRCh37_chr7:139528736-139529935; plus strand). Cytogenetic location: 7q34.
Variant type: single nucleotide variant.
Coding change: c.31G>C on transcript NM_001061.7 (MANE Select); coding-DNA position 31, G replaced by C.
Protein change: p.Val11Leu; replaces valine 11 with leucine.
Molecular consequence: missense variant. On other transcripts: 5 prime UTR variant (2), intron variant (1).
Genome position (GRCh38, 1-based): chr7:139,829,421, G>C. VCF-style: chr7-139829421-G-C. GRCh37 (hg19) VCF-style: chr7-139529220-G-C.
Other names: c.31G>C, p.Val11Leu (NM_001130966.5, NM_001166253.4, NM_001366538.2 and 1 more transcripts); c.-56G>C (NM_001314028.4, NM_001366537.3); c.-113+41995G>C (NM_001166254.4); short protein forms V11L.
Identifiers: ClinVar variation 1380056 (VCV001380056.5), dbSNP rs758831195, ClinGen allele CA369571104.

ClinVar aggregate classification (germline): Uncertain significance. Review status: criteria provided, multiple submitters, no conflicts (2 of 4 stars). 2 submissions from 2 submitters: Uncertain significance (2). Last evaluated 2026-06-17.

gnomAD v4.1: 64 of 1,613,890 alleles (0.004%); highest among the groups gnomAD compares: Non-Finnish European, 0.0052%; no homozygotes.

Submissions (2):

Women's Health and Genetics/Laboratory Corporation of America, LabCorp
Classification: Uncertain significance. Last evaluated: 2026-06-17. Review status: criteria provided, single submitter. Criteria: LabCorp Variant Classification Summary - May 2015. Collection method: clinical testing. Allele origin: germline.
Comment: Variant summary: TBXAS1 c.31G>C (p.Val11Leu) results in a conservative amino acid change in the encoded protein sequence. Algorithms developed to predict the effect of missense changes on protein structure and function all suggest that this variant is likely to be tolerated. The variant allele was found at a frequency of 4e-06 in 250826 control chromosomes. The available data on variant occurrences in the general population are insufficient to allow any conclusion about variant significance. To our knowledge, no occurrence of c.31G>C in individuals affected with TBXAS1-related conditions and no experimental evidence demonstrating its impact on protein function have been reported. ClinVar contains an entry for this variant (Variation ID: 1380056). Based on the evidence outlined above, the variant was classified as uncertain significance.

Labcorp Genetics (formerly Invitae), Labcorp
Classification: Uncertain significance. Last evaluated: 2022-05-25. Review status: criteria provided, single submitter. Criteria: Invitae Variant Classification Sherloc (09022015). Collection method: clinical testing. Allele origin: germline.
Comment: In summary, the available evidence is currently insufficient to determine the role of this variant in disease. Therefore, it has been classified as a Variant of Uncertain Significance. Algorithms developed to predict the effect of missense changes on protein structure and function output the following: SIFT: "Tolerated"; PolyPhen-2: "Benign"; Align-GVGD: "Class C0". The leucine amino acid residue is found in multiple mammalian species, which suggests that this missense change does not adversely affect protein function. This variant has not been reported in the literature in individuals affected with TBXAS1-related conditions. This variant is present in population databases (no rsID available, gnomAD 0.002%). This sequence change replaces valine, which is neutral and non-polar, with leucine, which is neutral and non-polar, at codon 12 of the TBXAS1 protein (p.Val12Leu).